The following is an entry in ClinVar:

NM_000257.4(MYH7):c.259del (p.Ile87fs)

Gene: MYH7 (myosin heavy chain 7; minus strand). Cytogenetic location: 14q11.2.
Variant type: Deletion.
Coding change: c.259del on transcript NM_000257.4 (MANE Select); coding-DNA position 259, one base deleted (A; older notation c.259delA).
Protein change: p.Ile87fs; shifts the reading frame from isoleucine 87.
Molecular consequence: frameshift variant.
Genome position (GRCh38, 1-based): chr14:23,433,170, T deleted on the plus strand (A on the coding strand, the reverse complement: MYH7 is on the minus strand); the first of 4 consecutive T bases (chr14:23,433,170-23,433,173); deleting any one gives the same sequence. VCF-style (leftmost placement, unchanged base first): chr14-23433169-AT-A. GRCh37 (hg19) VCF-style: chr14-23902378-AT-A.
Other names: short protein forms I87fs.
Identifiers: ClinVar variation 954176 (VCV000954176.3), dbSNP rs768274526, ClinGen allele CA033356.

ClinVar aggregate classification (germline): Uncertain significance. Review status: criteria provided, multiple submitters, no conflicts (2 of 4 stars). 3 submissions from 3 submitters: Uncertain significance (3). Last evaluated 2025-08-11.

Conditions:
Cardiomyopathy (CMYO). Also called: Cardiomyopathies. Identifiers: Orphanet 167848, MedGen C0878544, MONDO:0004994, HP:0001638. Inheritance: Various modes of inheritance.
Hypertrophic cardiomyopathy. Also called: HYPERTROPHIC MYOCARDIOPATHY. Identifiers: Orphanet 217569, MedGen C0007194, MeSH D002312, MONDO:0005045, HP:0001639.

Submissions (3):

Color Diagnostics, LLC DBA Color Health
Classification: Uncertain significance for Cardiomyopathy. Last evaluated: 2025-08-11. Review status: criteria provided, single submitter. Criteria: ACMG Guidelines, 2015. Collection method: clinical testing. Allele origin: germline.
Comment: This variant deletes 1 nucleotide in exon 4 of the MYH7 gene, creating a frameshift and premature translation stop signal. This variant is expected to result in an absent protein product. To our knowledge, this variant has not been reported in individuals affected with MYH7-related disorders in the literature. This variant has been identified in 1/251484 chromosomes in the general population by the Genome Aggregation Database (gnomAD). The role of loss-of-function MYH7 truncation variants in autosomal dominant cardiovascular disorders is not clearly understood. The available evidence is insufficient to determine the role of this variant in disease conclusively. Therefore, this variant is classified as a Variant of Uncertain Significance.

Blueprint Genetics
Classification: Uncertain significance. Last evaluated: 2024-02-15. Review status: criteria provided, single submitter. Criteria: ACMG Guidelines, 2015. Collection method: clinical testing. Allele origin: germline.

Labcorp Genetics (formerly Invitae), Labcorp
Classification: Uncertain significance for Hypertrophic cardiomyopathy. Last evaluated: 2019-07-12. Review status: criteria provided, single submitter. Criteria: Invitae Variant Classification Sherloc (09022015). Collection method: clinical testing. Allele origin: germline.
Comment: This sequence change creates a premature translational stop signal (p.Ile87Serfs*7) in the MYH7 gene. It is expected to result in an absent or disrupted protein product. This variant is present in population databases (rs768274526, ExAC 0.001%). This variant has not been reported in the literature in individuals with MYH7-related conditions. The current clinical and genetic evidence is not sufficient to establish whether loss-of-function variants in MYH7 cause disease. In summary, the available evidence is currently insufficient to determine the role of this variant in disease. Therefore, it has been classified as a Variant of Uncertain Significance.